The following is an entry in ClinVar:

ClinVar aggregate classification (germline): Uncertain significance. Review status: criteria provided, multiple submitters, no conflicts (2 of 4 stars). 2 submissions from 2 submitters: Uncertain significance (2). Last evaluated 2023-08-10.

Conditions:
Epilepsy, idiopathic generalized, susceptibility to, 10. Identifiers: MedGen C2751603, MONDO:0013103, OMIM 613060.
Idiopathic generalized epilepsy. Also called: Generalised epilepsy; EIG. Identifiers: MedGen C0270850, MONDO:0005579, OMIM 600669.

Allele frequency attached by ClinVar (database versions not stated): gnomAD exomes 0.00002 and 0.00004; gnomAD 0.00003 and 0.00004; ExAC 0.00005; TOPMed 0.00006.
gnomAD v4.1: 38 of 1,611,330 alleles (0.0024%); highest among the groups gnomAD compares: East Asian, 0.0089%; no homozygotes.

Submissions (2):

Labcorp Genetics (formerly Invitae), Labcorp
Classification: Uncertain significance for Idiopathic generalized epilepsy. Last evaluated: 2023-08-10. Review status: criteria provided, single submitter. Criteria: Invitae Variant Classification Sherloc (09022015). Collection method: clinical testing. Allele origin: germline.
Comment: This sequence change replaces arginine, which is basic and polar, with tryptophan, which is neutral and slightly polar, at codon 379 of the GABRD protein (p.Arg379Trp). This variant is present in population databases (rs754636335, gnomAD 0.03%). This variant has not been reported in the literature in individuals affected with GABRD-related conditions. ClinVar contains an entry for this variant (Variation ID: 645802). An algorithm developed to predict the effect of missense changes on protein structure and function (PolyPhen-2) suggests that this variant is likely to be disruptive. In summary, the available evidence is currently insufficient to determine the role of this variant in disease. Therefore, it has been classified as a Variant of Uncertain Significance.

New York Genome Center
Classification: Uncertain significance for Epilepsy, idiopathic generalized, susceptibility to, 10. Last evaluated: 2021-12-01. Review status: criteria provided, single submitter. Criteria: NYGC Assertion Criteria 2020. Collection method: clinical testing. Allele origin: inherited. Observed: 1 heterozygote. Study: CSER-NYCKidSeq.

NM_000815.5(GABRD):c.1135C>T (p.Arg379Trp)

Gene: GABRD (gamma-aminobutyric acid type A receptor subunit delta; plus strand). Cytogenetic location: 1p36.33.
Variant type: single nucleotide variant.
Coding change: c.1135C>T on transcript NM_000815.5 (MANE Select); coding-DNA position 1135, C replaced by T.
Protein change: p.Arg379Trp; replaces arginine 379 with tryptophan.
Molecular consequence: missense variant.
Genome position (GRCh38, 1-based): chr1:2,030,058, C>T. VCF-style: chr1-2030058-C-T. GRCh37 (hg19) VCF-style: chr1-1961497-C-T.
Other names: short protein forms R379W.
Identifiers: ClinVar variation 645802 (VCV000645802.10), dbSNP rs754636335, ClinGen allele CA534919.